The following is an entry in ClinVar:

NM_005996.4(TBX3):c.1800C>T (p.Ser600=)

Gene: TBX3 (T-box transcription factor 3; minus strand). Cytogenetic location: 12q24.21.
Variant type: single nucleotide variant.
Coding change: c.1800C>T on transcript NM_005996.4 (MANE Select); coding-DNA position 1800, C replaced by T.
Protein change: p.Ser600=; no amino-acid change (serine 600 retained).
Molecular consequence: synonymous variant.
Genome position (GRCh38, 1-based): chr12:114,672,213, G>A on the plus strand (C>T on the coding strand, the complement: TBX3 is on the minus strand). VCF-style: chr12-114672213-G-A. GRCh37 (hg19) VCF-style: chr12-115110018-G-A.
Other names: c.1860C>T (NM_016569.3); c.1860C>T, p.Ser620= (NM_016569.4).
Identifiers: ClinVar variation 711210 (VCV000711210.12), dbSNP rs528719787, ClinGen allele CA6809844.

ClinVar aggregate classification (germline): Likely benign. Review status: criteria provided, single submitter (1 of 4 stars). 2 submissions from 2 submitters: Likely benign (1). 1 of the submissions does not count toward it. Last evaluated 2025-10-01.

Conditions:
TBX3-related disorder. Also called: TBX3-related condition.
Ulnar-mammary syndrome (UMS). Also called: SCHINZEL SYNDROME; Ulnar-mammary syndrome of Pallister; PALLISTER ULNAR-MAMMARY SYNDROME. Identifiers: Orphanet 3138, MedGen C1866994, MONDO:0008411, OMIM 181450.

Allele frequency attached by ClinVar (database versions not stated): gnomAD exomes 0.00002 and 0.00003; ExAC 0.00005; 1000 Genomes Project 30x 0.00016; 1000 Genomes Project 0.00020; gnomAD 0.00029 and 0.00031; TOPMed 0.00070.
gnomAD v4.1: 73 of 1,572,918 alleles (0.0046%); highest among the groups gnomAD compares: Admixed American, 0.11%; no homozygotes.

Submissions (2):

Labcorp Genetics (formerly Invitae), Labcorp
Classification: Likely benign for Ulnar-mammary syndrome. Last evaluated: 2025-10-01. Review status: criteria provided, single submitter. Criteria: Invitae Variant Classification Sherloc (09022015). Collection method: clinical testing. Allele origin: germline.

PreventionGenetics, part of Exact Sciences
Classification: Likely benign for TBX3-related condition. Last evaluated: 2021-09-13. Review status: no assertion criteria provided. Collection method: clinical testing. Allele origin: germline. Not counted in ClinVar's aggregate classification.
Comment: This variant is classified as likely benign based on ACMG/AMP sequence variant interpretation guidelines (Richards et al. 2015 PMID: 25741868, with internal and published modifications).